The following is an entry in ClinVar:

ClinVar aggregate classification (germline): Benign/Likely benign. Review status: criteria provided, multiple submitters, no conflicts (2 of 4 stars). 4 submissions from 4 submitters: Benign (1); Likely benign (3). Last evaluated 2025-07-30.

Conditions:
Epilepsy, progressive myoclonic, 1B. Also called: PME. Identifiers: Orphanet 308, MedGen C2676254, MONDO:0012904, OMIM 612437.

Allele frequency attached by ClinVar (database versions not stated): gnomAD 0.00003; TOPMed 0.00004; gnomAD exomes 0.00011; ESP Exome Variant Server 0.00015; 1000 Genomes Project 30x 0.00016; 1000 Genomes Project 0.00020.
gnomAD v4.1: 176 of 1,614,126 alleles (0.011%); highest among the groups gnomAD compares: South Asian, 0.037%; 1 homozygote.

Submissions (4):

Labcorp Genetics (formerly Invitae), Labcorp
Classification: Benign for Epilepsy, progressive myoclonic, 1B. Last evaluated: 2025-07-30. Review status: criteria provided, single submitter. Criteria: Invitae Variant Classification Sherloc (09022015). Collection method: clinical testing. Allele origin: germline.

Ambry Genetics
Classification: Likely benign. Last evaluated: 2019-10-23. Review status: criteria provided, single submitter. Criteria: Ambry Variant Classification Scheme 2023. Collection method: clinical testing. Allele origin: germline.

GeneDx
Classification: Likely benign. Last evaluated: 2016-07-19. Review status: criteria provided, single submitter. Criteria: GeneDx Variant Classification (06012015). Collection method: clinical testing. Allele origin: germline. Affected: yes.
Comment: This variant is considered likely benign or benign based on one or more of the following criteria: it is a conservative change, it occurs at a poorly conserved position in the protein, it is predicted to be benign by multiple in silico algorithms, and/or has population frequency not consistent with disease.

Breakthrough Genomics
Classification: Likely benign. Review status: criteria provided, single submitter. Criteria: ACMG Guidelines, 2015. Collection method: not provided. Allele origin: germline. Inheritance: Autosomal recessive inheritance. Affected: yes.

NM_153026.3(PRICKLE1):c.1869G>A (p.Lys623=)

Gene: PRICKLE1 (prickle planar cell polarity protein 1; minus strand). Cytogenetic location: 12q12.
Variant type: single nucleotide variant.
Coding change: c.1869G>A on transcript NM_153026.3 (MANE Select); coding-DNA position 1869, G replaced by A.
Protein change: p.Lys623=; no amino-acid change (lysine 623 retained).
Molecular consequence: synonymous variant.
Genome position (GRCh38, 1-based): chr12:42,460,436, C>T on the plus strand (G>A on the coding strand, the complement: PRICKLE1 is on the minus strand). VCF-style: chr12-42460436-C-T. GRCh37 (hg19) VCF-style: chr12-42854238-C-T.
Other names: c.1869G>A, p.Lys623= (NM_001144881.2, NM_001144882.2, NM_001144883.2).
Identifiers: ClinVar variation 387614 (VCV000387614.15), dbSNP rs150809651, ClinGen allele CA6519681.